The following is an entry in ClinVar:

ClinVar aggregate classification (germline): Uncertain significance (1 of 4 stars; one submission).

Conditions:
Autosomal recessive limb-girdle muscular dystrophy type 2Q (LGMDR17). Also called: MUSCULAR DYSTROPHY, LIMB-GIRDLE, AUTOSOMAL RECESSIVE 17. Identifiers: Orphanet 254361, MedGen C3150989, MONDO:0013390, OMIM 613723.
Epidermolysis bullosa simplex, Ogna type (EBS5A). Also called: Pidermolysis bullosa simplex 5A, Ogna type; EPIDERMOLYSIS BULLOSA SIMPLEX 5A, OGNA TYPE. Identifiers: Orphanet 79401, MedGen C0432317, MONDO:0007555, OMIM 131950.
Epidermolysis bullosa simplex 5B, with muscular dystrophy (EBS5B). Also called: EPIDERMOLYSIS BULLOSA SIMPLEX AND LIMB-GIRDLE MUSCULAR DYSTROPHY; Epidermolysis bullosa simplex with muscular dystrophy. Identifiers: Orphanet 257, MedGen C2931072, MONDO:0009181, OMIM 226670.
Epidermolysis bullosa simplex 5C, with pyloric atresia (EBS5C). Also called: Epidermolysis bullosa simplex with pyloric atresia; PLEC-Related Epidermolysis Bullosa with Pyloric Atresia; PLEC1-Related Epidermolysis Bullosa with Pyloric Atresia. Identifiers: Orphanet 158684, MedGen C2677349, MONDO:0012807, OMIM 612138.
Epidermolysis bullosa simplex with nail dystrophy (EBS5D). Identifiers: MedGen C4225309, MONDO:0014661, OMIM 616487.

Allele frequency attached by ClinVar (database versions not stated): TOPMed below 0.00001.

Submission:

Labcorp Genetics (formerly Invitae), Labcorp
Classification: Uncertain significance for Autosomal recessive limb-girdle muscular dystrophy type 2Q; Epidermolysis bullosa simplex, Ogna type; Epidermolysis bullosa simplex with nail dystrophy; Epidermolysis bullosa simplex 5C, with pyloric atresia; Epidermolysis bullosa simplex 5B, with muscular dystrophy. Last evaluated: 2021-05-30. Review status: criteria provided, single submitter. Criteria: Invitae Variant Classification Sherloc (09022015). Collection method: clinical testing. Allele origin: germline.
Comment: This variant is not present in population databases (ExAC no frequency). In summary, the available evidence is currently insufficient to determine the role of this variant in disease. Therefore, it has been classified as a Variant of Uncertain Significance. Algorithms developed to predict the effect of missense changes on protein structure and function (SIFT, PolyPhen-2, Align-GVGD) all suggest that this variant is likely to be disruptive, but these predictions have not been confirmed by published functional studies and their clinical significance is uncertain. This variant has not been reported in the literature in individuals with PLEC-related conditions. This sequence change replaces glutamine with arginine at codon 3735 of the PLEC protein (p.Gln3735Arg). The glutamine residue is highly conserved and there is a small physicochemical difference between glutamine and arginine.

NM_201384.3(PLEC):c.11123A>G (p.Gln3708Arg)

Gene: PLEC (plectin; minus strand). Cytogenetic location: 8q24.3.
Variant type: single nucleotide variant.
Coding change: c.11123A>G on transcript NM_201384.3 (MANE Select); coding-DNA position 11123, A replaced by G.
Protein change: p.Gln3708Arg; replaces glutamine 3708 with arginine.
Molecular consequence: missense variant.
Genome position (GRCh38, 1-based): chr8:143,918,698, T>C on the plus strand (A>G on the coding strand, the complement: PLEC is on the minus strand). VCF-style: chr8-143918698-T-C. GRCh37 (hg19) VCF-style: chr8-144992866-T-C.
Other names: c.11204A>G, p.Gln3735Arg (NM_000445.5); c.11081A>G, p.Gln3694Arg (NM_201378.4); c.11057A>G, p.Gln3686Arg (NM_201379.3); c.11534A>G, p.Gln3845Arg (NM_201380.4); c.11027A>G, p.Gln3676Arg (NM_201381.3); c.11123A>G, p.Gln3708Arg (NM_201382.4); c.11135A>G, p.Gln3712Arg (NM_201383.3); short protein forms Q3676R, Q3712R, Q3735R, Q3708R, Q3686R, Q3694R, Q3845R.
Identifiers: ClinVar variation 1514206 (VCV001514206.8), dbSNP rs1821437809, ClinGen allele CA372494329.